The following is an entry in ClinVar:

ClinVar aggregate classification (germline): Uncertain significance (1 of 4 stars; one submission).

Conditions:
RASopathy. Also called: rasopathies; Noonan spectrum disorder. Identifiers: Orphanet 536391, MedGen C5555857, MONDO:0021060.

Submission:

Labcorp Genetics (formerly Invitae), Labcorp
Classification: Uncertain significance for RASopathy. Last evaluated: 2025-02-27. Review status: criteria provided, single submitter. Criteria: Invitae Variant Classification Sherloc (09022015). Collection method: clinical testing. Allele origin: germline.
Comment: This sequence change replaces proline, which is neutral and non-polar, with serine, which is neutral and polar, at codon 8 of the MAP2K1 protein (p.Pro8Ser). This variant is not present in population databases (gnomAD no frequency). This variant has not been reported in the literature in individuals affected with MAP2K1-related conditions. Invitae Evidence Modeling of protein sequence and biophysical properties (such as structural, functional, and spatial information, amino acid conservation, physicochemical variation, residue mobility, and thermodynamic stability) indicates that this missense variant is not expected to disrupt MAP2K1 protein function with a negative predictive value of 95%. In summary, the available evidence is currently insufficient to determine the role of this variant in disease. Therefore, it has been classified as a Variant of Uncertain Significance.

NM_002755.4(MAP2K1):c.22C>T (p.Pro8Ser)

Gene: MAP2K1 (mitogen-activated protein kinase kinase 1; plus strand). Cytogenetic location: 15q22.31.
Variant type: single nucleotide variant.
Coding change: c.22C>T on transcript NM_002755.4 (MANE Select); coding-DNA position 22, C replaced by T.
Protein change: p.Pro8Ser; replaces proline 8 with serine.
Molecular consequence: missense variant.
Genome position (GRCh38, 1-based): chr15:66,387,369, C>T. VCF-style: chr15-66387369-C-T. GRCh37 (hg19) VCF-style: chr15-66679707-C-T.
Other names: short protein forms P8S.
Identifiers: ClinVar variation 4802390 (VCV004802390.1).